The following is an entry in ClinVar:

NM_002470.4(MYH3):c.2474T>A (p.Val825Asp)

Gene: MYH3 (myosin heavy chain 3; minus strand). Cytogenetic location: 17p13.1.
Variant type: single nucleotide variant.
Coding change: c.2474T>A on transcript NM_002470.4 (MANE Select); coding-DNA position 2474, T replaced by A.
Protein change: p.Val825Asp; replaces valine 825 with aspartic acid.
Molecular consequence: missense variant.
Genome position (GRCh38, 1-based): chr17:10,640,204, A>T on the plus strand (T>A on the coding strand, the complement: MYH3 is on the minus strand). VCF-style: chr17-10640204-A-T. GRCh37 (hg19) VCF-style: chr17-10543521-A-T.
Other names: c.2474T>A (NM_002470.3); short protein forms V825D.
Identifiers: ClinVar variation 14141 (VCV000014141.2), dbSNP rs121913620, ClinGen allele CA123758.

ClinVar aggregate classification (germline): Likely pathogenic. Review status: criteria provided, single submitter (1 of 4 stars). 2 submissions from 2 submitters: Likely pathogenic (1). 1 of the submissions does not count toward it. Last evaluated 2024-12-24.

Conditions:
MYH3-related disorder. Also called: MYH3-related condition; MYH3-Related Disorders. Identifiers: MedGen CN239329.
Freeman-Sheldon syndrome (DA2A). Also called: CRANIOCARPOTARSAL DYSPLASIA; CRANIOCARPOTARSAL DYSTROPHY; WHISTLING FACE-WINDMILL VANE HAND SYNDROME; Arthrogryposis, distal, type 2A (Freeman-Sheldon). Identifiers: Orphanet 2053, MedGen C0265224, MONDO:0008675, OMIM 193700.

Submissions (2):

PreventionGenetics, part of Exact Sciences
Classification: Likely pathogenic for MYH3-related condition. Last evaluated: 2024-12-24. Review status: criteria provided, single submitter. Criteria: ACMG Guidelines, 2015. Collection method: clinical testing. Allele origin: germline.
Comment: The MYH3 c.2474T>A variant is predicted to result in the amino acid substitution p.Val825Asp. This variant has been reported to be pathogenic in a familial case of Freeman-Sheldon syndrome (Toydemir et al. 2006. PubMed ID: 16642020). This variant has not been reported in a large population database (gnomAD), indicating this variant is rare. This variant is interpreted as likely pathogenic.

OMIM
Classification: Pathogenic for ARTHROGRYPOSIS, DISTAL, TYPE 2A. Last evaluated: 2006-05-01. Review status: no assertion criteria provided. Collection method: literature only. Allele origin: germline. Not counted in ClinVar's aggregate classification.

Literature cited by the submitters: PubMed 16642020 (cited by OMIM).